The following is an entry in ClinVar:

ClinVar aggregate classification (germline): Likely benign (1 of 4 stars; one submission).

Allele frequency attached by ClinVar (database versions not stated): TOPMed 0.00005.
gnomAD v4.1: 6 of 901,836 alleles (0.00067%); highest among the groups gnomAD compares: Non-Finnish European, 0.00077%; no homozygotes.

Submission:

CeGaT Center for Human Genetics Tuebingen
Classification: Likely benign. Last evaluated: 2022-06-01. Review status: criteria provided, single submitter. Criteria: CeGaT Center For Human Genetics Tuebingen Variant Classification Criteria Version 2. Collection method: clinical testing. Allele origin: germline. Affected: yes. Observed: 1 variant allele.
Comment: PCSK6: BP4, BP7

NM_002570.5(PCSK6):c.99G>T (p.Ala33=)

Gene: PCSK6 (proprotein convertase subtilisin/kexin type 6; minus strand). Cytogenetic location: 15q26.3.
Variant type: single nucleotide variant.
Coding change: c.99G>T on transcript NM_002570.5 (MANE Select); coding-DNA position 99, G replaced by T.
Protein change: p.Ala33=; no amino-acid change (alanine 33 retained).
Molecular consequence: synonymous variant.
Genome position (GRCh38, 1-based): chr15:101,489,572, C>A on the plus strand (G>T on the coding strand, the complement: PCSK6 is on the minus strand). VCF-style: chr15-101489572-C-A. GRCh37 (hg19) VCF-style: chr15-102029775-C-A.
Other names: c.99G>T, p.Ala33= (NM_138319.4, NM_138322.4, NM_138323.3 and 3 more transcripts).
Identifiers: ClinVar variation 2645758 (VCV002645758.24), dbSNP rs1193286721, ClinGen allele CA492949561.